The following is an entry in ClinVar:

NM_000475.5(NR0B1):c.1411T>G (p.Ter471Glu)

Gene: NR0B1 (nuclear receptor subfamily 0 group B member 1; minus strand). Cytogenetic location: Xp21.2.
Variant type: single nucleotide variant.
Coding change: c.1411T>G on transcript NM_000475.5 (MANE Select); coding-DNA position 1411, T replaced by G.
Protein change: p.Ter471Glu.
Molecular consequence: stop lost.
Genome position (GRCh38, 1-based): chrX:30,304,581, A>C on the plus strand (T>G on the coding strand, the complement: NR0B1 is on the minus strand). VCF-style: chrX-30304581-A-C. GRCh37 (hg19) VCF-style: chrX-30322698-A-C.
Identifiers: ClinVar variation 3338867 (VCV003338867.1).
Genomic context (GRCh38, chrX:30,304,581, plus strand): 5'-CTCTTTATTCTTCCCTCATGGTGAACTGCACTACTGCACTTGTGTGGCCCACATGACTTT[A>C]TATCTTTGTACAGAGCATTTCCAGCATCATATCATCCATGCTGACTGTGCCGATGATGGG-3'

ClinVar aggregate classification (germline): Likely pathogenic (1 of 4 stars; one submission).

Submission:

GeneDx
Classification: Likely pathogenic. Last evaluated: 2024-02-08. Review status: criteria provided, single submitter. Criteria: GeneDx Variant Classification Process June 2021. Collection method: clinical testing. Allele origin: germline. Affected: yes.
Comment: Variant resulting in loss of the termination codon leading to protein extension by 18 amino acids; Not observed at significant frequency in large population cohorts (gnomAD); Has not been previously published as pathogenic or benign to our knowledge; This variant is associated with the following publications: (PMID: 17598221)